The following is an entry in ClinVar:

NM_000718.4(CACNA1B):c.6088C>G (p.Arg2030Gly)

Gene: CACNA1B (calcium voltage-gated channel subunit alpha1 B; plus strand). Cytogenetic location: 9q34.3.
Variant type: single nucleotide variant.
Coding change: c.6088C>G on transcript NM_000718.4 (MANE Select); coding-DNA position 6088, C replaced by G.
Protein change: p.Arg2030Gly; replaces arginine 2030 with glycine.
Molecular consequence: missense variant.
Genome position (GRCh38, 1-based): chr9:138,120,222, C>G. VCF-style: chr9-138120222-C-G. GRCh37 (hg19) VCF-style: chr9-141014674-C-G.
Other names: c.6088C>G, p.Arg2030Gly (NM_001243812.2); c.6088C>G (NM_000718.3); short protein forms R2030G.
Identifiers: ClinVar variation 1676138 (VCV001676138.34), dbSNP rs200157606, ClinGen allele CA201872855.

ClinVar aggregate classification (germline): Uncertain significance. Review status: criteria provided, multiple submitters, no conflicts (2 of 4 stars). 2 submissions from 2 submitters: Uncertain significance (2). Last evaluated 2024-06-03.

gnomAD v4.1: 80 of 1,608,412 alleles (0.005%); highest among the groups gnomAD compares: Non-Finnish European, 0.0062%; no homozygotes.

Submissions (2):

Ambry Genetics
Classification: Uncertain significance. Last evaluated: 2024-06-03. Review status: criteria provided, single submitter. Criteria: Ambry Variant Classification Scheme 2023. Collection method: clinical testing. Allele origin: germline.

CeGaT Center for Human Genetics Tuebingen
Classification: Uncertain significance. Last evaluated: 2022-03-01. Review status: criteria provided, single submitter. Criteria: CeGaT Center For Human Genetics Tuebingen Variant Classification Criteria Version 2. Collection method: clinical testing. Allele origin: germline. Affected: yes. Observed: 1 variant allele.
Comment: CACNA1B: PP2, BP4